The following is an entry in ClinVar:

NM_000059.4(BRCA2):c.1491A>T (p.Ser497=)

Gene: BRCA2 (BRCA2 DNA repair associated; plus strand). Cytogenetic location: 13q13.1.
Variant type: single nucleotide variant.
Coding change: c.1491A>T on transcript NM_000059.4 (MANE Select); coding-DNA position 1491, A replaced by T.
Protein change: p.Ser497=; no amino-acid change (serine 497 retained).
Molecular consequence: synonymous variant.
Genome position (GRCh38, 1-based): chr13:32,332,969, A>T. VCF-style: chr13-32332969-A-T. GRCh37 (hg19) VCF-style: chr13-32907106-A-T.
Identifiers: ClinVar variation 415696 (VCV000415696.18), dbSNP rs1060504637, ClinGen allele CA16614112.

ClinVar aggregate classification (germline): Likely benign. Review status: criteria provided, multiple submitters, no conflicts (2 of 4 stars). 4 submissions from 4 submitters: Likely benign (4). Last evaluated 2024-08-19.

Conditions:
Hereditary breast ovarian cancer syndrome. Also called: Breast and ovarian cancer; Hereditary breast and ovarian cancer; Hereditary breast and/or ovarian cancer syndrome; BRCA1- and BRCA2-Associated Hereditary Breast and Ovarian Cancer; Hereditary breast and ovarian cancer syndrome (HBOC); Hereditary breast and ovarian cancer syndrome. Identifiers: Orphanet 145, MedGen C0677776, MeSH D061325, MONDO:0003582. Disease mechanism: loss of function.
BRCA2-related cancer predisposition. Identifiers: MedGen CN377758, MONDO:0700269.
Hereditary cancer-predisposing syndrome. Also called: Tumor predisposition; Neoplastic Syndromes, Hereditary; Hereditary neoplastic syndrome; Hereditary Cancer Syndrome. Identifiers: Orphanet 140162, MedGen C0027672, MeSH D009386, MONDO:0015356.

Allele frequency attached by ClinVar (database versions not stated): gnomAD exomes 0.00001.

Submissions (4):

All of Us Research Program, National Institutes of Health
Classification: Likely benign for BRCA2-related cancer predisposition. Last evaluated: 2024-08-19. Review status: criteria provided, single submitter. Criteria: ACMG Guidelines, 2015. Collection method: clinical testing. Allele origin: germline. Inheritance: Autosomal dominant inheritance. Observed: 1 variant allele, 1 heterozygote.
Comment: This study involves interpretation of variants in research participants for the purpose of population health screening. Participant phenotype was not available at the time of variant classification. Additional details can be found in publication PMID: 35346344, PMCID: PMC8962531

Labcorp Genetics (formerly Invitae), Labcorp
Classification: Likely benign for Hereditary breast ovarian cancer syndrome. Last evaluated: 2023-06-30. Review status: criteria provided, single submitter. Criteria: Invitae Variant Classification Sherloc (09022015). Collection method: clinical testing. Allele origin: germline.

Color Diagnostics, LLC DBA Color Health
Classification: Likely benign for Hereditary cancer-predisposing syndrome. Last evaluated: 2017-12-22. Review status: criteria provided, single submitter. Criteria: ACMG Guidelines, 2015. Collection method: clinical testing. Allele origin: germline.

Ambry Genetics
Classification: Likely benign for Hereditary cancer-predisposing syndrome. Last evaluated: 2016-07-27. Review status: criteria provided, single submitter. Criteria: Ambry Variant Classification Scheme 2023. Collection method: clinical testing. Allele origin: germline.